The following is an entry in ClinVar:

NM_182914.3(SYNE2):c.19234G>A (p.Val6412Met)

Gene: SYNE2 (spectrin repeat containing nuclear envelope protein 2; plus strand). Cytogenetic location: 14q23.2.
Variant type: single nucleotide variant.
Coding change: c.19234G>A on transcript NM_182914.3 (MANE Select); coding-DNA position 19234, G replaced by A.
Protein change: p.Val6412Met; replaces valine 6412 with methionine.
Molecular consequence: missense variant.
Genome position (GRCh38, 1-based): chr14:64,214,371, G>A. VCF-style: chr14-64214371-G-A. GRCh37 (hg19) VCF-style: chr14-64681089-G-A.
Other names: c.19234G>A, p.Val6412Met (NM_015180.6); c.136G>A, p.Val46Met (NM_182913.4); c.19234G>A (NM_182914.2); short protein forms V46M, V6412M.
Identifiers: ClinVar variation 1010785 (VCV001010785.11), dbSNP rs755527635, ClinGen allele CA7224355.
Genomic context (GRCh38, chr14:64,214,371, plus strand): 5'-TCCCTGTGTCATCTAGTGGCCCCAGGGCACGAGCGGTCTGGCTGCGAGACCCCTGTCAGC[G>A]TGGACTCCATCCCCCTGGAGTGGGACCACACAGGCGACGTGGGGGGCTCCTCCTCTCACG-3'
Protein context (NP_878918.2, residues 6402-6422): ERSGCETPVS[Val6412Met]DSIPLEWDHT

ClinVar aggregate classification (germline): Uncertain significance. Review status: criteria provided, multiple submitters, no conflicts (2 of 4 stars). 2 submissions from 2 submitters: Uncertain significance (2). Last evaluated 2022-09-07.

Conditions:
Emery-Dreifuss muscular dystrophy 5, autosomal dominant (EDMD5). Also called: EMERY-DREIFUSS MUSCULAR DYSTROPHY 5. Identifiers: Orphanet 261, MedGen C2751805, MONDO:0013072, OMIM 612999.

Allele frequency attached by ClinVar (database versions not stated): gnomAD 0.00001; ExAC 0.00002; gnomAD exomes 0.00002 and 0.00003.
gnomAD v4.1: 24 of 1,614,008 alleles (0.0015%); highest among the groups gnomAD compares: Admixed American, 0.0033%; no homozygotes.

Submissions (2):

Labcorp Genetics (formerly Invitae), Labcorp
Classification: Uncertain significance for Emery-Dreifuss muscular dystrophy 5, autosomal dominant. Last evaluated: 2022-09-07. Review status: criteria provided, single submitter. Criteria: Invitae Variant Classification Sherloc (09022015). Collection method: clinical testing. Allele origin: germline.
Comment: In summary, the available evidence is currently insufficient to determine the role of this variant in disease. Therefore, it has been classified as a Variant of Uncertain Significance. Algorithms developed to predict the effect of missense changes on protein structure and function are either unavailable or do not agree on the potential impact of this missense change (SIFT: "Deleterious"; PolyPhen-2: "Probably Damaging"; Align-GVGD: "Class C0"). ClinVar contains an entry for this variant (Variation ID: 1010785). This variant has not been reported in the literature in individuals affected with SYNE2-related conditions. This variant is present in population databases (rs755527635, gnomAD 0.006%). This sequence change replaces valine, which is neutral and non-polar, with methionine, which is neutral and non-polar, at codon 6412 of the SYNE2 protein (p.Val6412Met).

Revvity Omics, Revvity
Classification: Uncertain significance for Emery-Dreifuss muscular dystrophy 5, autosomal dominant. Last evaluated: 2019-07-11. Review status: criteria provided, single submitter. Criteria: ACMG Guidelines, 2015. Collection method: clinical testing. Allele origin: germline.